The following is an entry in ClinVar:

NM_198904.4(GABRG2):c.942A>G (p.Thr314=)

Gene: GABRG2 (gamma-aminobutyric acid type A receptor subunit gamma2; plus strand). Cytogenetic location: 5q34.
Variant type: single nucleotide variant.
Coding change: c.942A>G on transcript NM_198904.4 (MANE Select); coding-DNA position 942, A replaced by G.
Protein change: p.Thr314=; no amino-acid change (threonine 314 retained).
Molecular consequence: synonymous variant. On other transcripts: intron variant (1).
Genome position (GRCh38, 1-based): chr5:162,149,127, A>G. VCF-style: chr5-162149127-A-G. GRCh37 (hg19) VCF-style: chr5-161576133-A-G.
Other names: c.942A>G, p.Thr314= (NM_000816.3); c.933A>G, p.Thr311= (NM_001375339.1); c.939A>G, p.Thr313= (NM_001375341.1, NM_001375342.1); c.1062A>G, p.Thr354= (NM_001375343.1, NM_198903.2); c.981A>G, p.Thr327= (NM_001375344.1); c.876A>G, p.Thr292= (NM_001375345.1, NM_001375346.1); c.855A>G, p.Thr285= (NM_001375347.1); c.522A>G, p.Thr174= (NM_001375348.1, NM_001375350.1); and 2 more.
Identifiers: ClinVar variation 414844 (VCV000414844.38), dbSNP rs377502016, ClinGen allele CA3544858.

ClinVar aggregate classification (germline): Likely benign. Review status: criteria provided, multiple submitters, no conflicts (2 of 4 stars). 5 submissions from 5 submitters: Likely benign (5). Last evaluated 2024-09-06.

Conditions:
Inborn genetic diseases. Identifiers: MedGen C0950123, MeSH D030342.
Febrile seizures, familial, 8 (FEB8). Also called: CONVULSIONS, FAMILIAL FEBRILE, 8. Identifiers: Orphanet 36387, MedGen C1969810, MONDO:0011891, OMIM 607681.
EPILEPSY, CHILDHOOD ABSENCE, SUSCEPTIBILITY TO, 2 (ECA2). Identifiers: Orphanet 64280, MedGen C1843244, OMIM 607681.

Allele frequency attached by ClinVar (database versions not stated): gnomAD exomes 0.00001 and 0.00002; ExAC 0.00002; TOPMed 0.00003; gnomAD 0.00004 and 0.00006; ESP Exome Variant Server 0.00008.
gnomAD v4.1: 25 of 1,613,936 alleles (0.0015%); highest among the groups gnomAD compares: East Asian, 0.011%; 1 homozygote.

Submissions (5):

Labcorp Genetics (formerly Invitae), Labcorp
Classification: Likely benign for Febrile seizures, familial, 8; EPILEPSY, CHILDHOOD ABSENCE, SUSCEPTIBILITY TO, 2. Last evaluated: 2024-09-06. Review status: criteria provided, single submitter. Criteria: Invitae Variant Classification Sherloc (09022015). Collection method: clinical testing. Allele origin: germline.

Blueprint Genetics
Classification: Likely benign. Last evaluated: 2023-12-11. Review status: criteria provided, single submitter. Criteria: ACMG Guidelines, 2015. Collection method: clinical testing. Allele origin: germline.

CeGaT Center for Human Genetics Tuebingen
Classification: Likely benign. Last evaluated: 2023-04-01. Review status: criteria provided, single submitter. Criteria: CeGaT Center For Human Genetics Tuebingen Variant Classification Criteria Version 2. Collection method: clinical testing. Allele origin: germline. Affected: yes. Observed: 2 variant alleles.
Comment: GABRG2: BP4, BP7

Ambry Genetics
Classification: Likely benign for Inborn genetic diseases. Last evaluated: 2018-12-06. Review status: criteria provided, single submitter. Criteria: Ambry Variant Classification Scheme 2023. Collection method: clinical testing. Allele origin: germline.

GeneDx
Classification: Likely benign. Last evaluated: 2017-08-04. Review status: criteria provided, single submitter. Criteria: GeneDx Variant Classification (06012015). Collection method: clinical testing. Allele origin: germline. Affected: yes.
Comment: This variant is considered likely benign or benign based on one or more of the following criteria: it is a conservative change, it occurs at a poorly conserved position in the protein, it is predicted to be benign by multiple in silico algorithms, and/or has population frequency not consistent with disease.